The following is an entry in ClinVar:

NM_025114.4(CEP290):c.3553A>G (p.Met1185Val)

Gene: CEP290 (centrosomal protein 290; minus strand). Cytogenetic location: 12q21.32.
Variant type: single nucleotide variant.
Coding change: c.3553A>G on transcript NM_025114.4 (MANE Select); coding-DNA position 3553, A replaced by G.
Protein change: p.Met1185Val; replaces methionine 1185 with valine.
Molecular consequence: missense variant.
Genome position (GRCh38, 1-based): chr12:88,090,748, T>C on the plus strand (A>G on the coding strand, the complement: CEP290 is on the minus strand). VCF-style: chr12-88090748-T-C. GRCh37 (hg19) VCF-style: chr12-88484525-T-C.
Other names: short protein forms M1185V.
Identifiers: ClinVar variation 2173261 (VCV002173261.1), dbSNP rs2036969617, ClinGen allele CA386001690.

ClinVar aggregate classification (germline): Uncertain significance (1 of 4 stars; one submission).

Conditions:
Joubert syndrome. Also called: CEREBELLOPARENCHYMAL DISORDER IV; JOUBERT-BOLTSHAUSER SYNDROME; Familial aplasia of the vermis. Identifiers: Orphanet 475, MedGen C5979921, MONDO:0018772.
Nephronophthisis. Also called: Juvenile Nephronophthisis. Identifiers: Orphanet 655, MedGen C0687120, MONDO:0019005, HP:0000090.
Meckel-Gruber syndrome. Also called: DYSENCEPHALIA SPLANCHNOCYSTICA; GRUBER SYNDROME; Dysencephalia splachnocystica. Identifiers: Orphanet 564, MedGen C0265215, MONDO:0018921.

Allele frequency attached by ClinVar (database versions not stated): TOPMed below 0.00001; gnomAD 0.00001.

Submission:

Labcorp Genetics (formerly Invitae), Labcorp
Classification: Uncertain significance for Joubert syndrome; Meckel-Gruber syndrome; Nephronophthisis. Last evaluated: 2022-08-10. Review status: criteria provided, single submitter. Criteria: Invitae Variant Classification Sherloc (09022015). Collection method: clinical testing. Allele origin: germline.
Comment: This sequence change replaces methionine, which is neutral and non-polar, with valine, which is neutral and non-polar, at codon 1185 of the CEP290 protein (p.Met1185Val). This variant is not present in population databases (gnomAD no frequency). This variant has not been reported in the literature in individuals affected with CEP290-related conditions. Algorithms developed to predict the effect of missense changes on protein structure and function (SIFT, PolyPhen-2, Align-GVGD) all suggest that this variant is likely to be tolerated. In summary, the available evidence is currently insufficient to determine the role of this variant in disease. Therefore, it has been classified as a Variant of Uncertain Significance.